The following is an entry in ClinVar:

ClinVar aggregate classification (germline): Likely benign. Review status: criteria provided, multiple submitters, no conflicts (2 of 4 stars). 3 submissions from 3 submitters: Likely benign (2). 1 of the submissions does not count toward it. Last evaluated 2025-01-21.

Conditions:
Nephronophthisis. Also called: Juvenile Nephronophthisis. Identifiers: Orphanet 655, MedGen C0687120, MONDO:0019005, HP:0000090.
Joubert syndrome. Also called: Familial aplasia of the vermis; JOUBERT-BOLTSHAUSER SYNDROME. Identifiers: Orphanet 475, MedGen C5979921, MONDO:0018772.
Meckel-Gruber syndrome. Also called: Dysencephalia splachnocystica; DYSENCEPHALIA SPLANCHNOCYSTICA; GRUBER SYNDROME. Identifiers: Orphanet 564, MedGen C0265215, MONDO:0018921.
CEP290-related disorder. Also called: CEP290-related condition; CEP290-related disorders. Identifiers: MedGen CN239314.

Allele frequency attached by ClinVar (database versions not stated): gnomAD exomes below 0.00001; TOPMed below 0.00001.
gnomAD v4.1: 3 of 1,387,476 alleles (0.00022%); highest among the groups gnomAD compares: Admixed American, 0.0022%; no homozygotes.

Submissions (3):

Labcorp Genetics (formerly Invitae), Labcorp
Classification: Likely benign for Joubert syndrome; Meckel-Gruber syndrome; Nephronophthisis. Last evaluated: 2025-01-21. Review status: criteria provided, single submitter. Criteria: Invitae Variant Classification Sherloc (09022015). Collection method: clinical testing. Allele origin: germline.

Blueprint Genetics
Classification: Likely benign. Last evaluated: 2022-07-08. Review status: criteria provided, single submitter. Criteria: ACMG Guidelines, 2015. Collection method: clinical testing. Allele origin: germline.

PreventionGenetics, part of Exact Sciences
Classification: Likely benign for CEP290-related condition. Last evaluated: 2020-09-23. Review status: no assertion criteria provided. Collection method: clinical testing. Allele origin: germline. Not counted in ClinVar's aggregate classification.
Comment: This variant is classified as likely benign based on ACMG/AMP sequence variant interpretation guidelines (Richards et al. 2015 PMID: 25741868, with internal and published modifications).

NM_025114.4(CEP290):c.1712-4A>G

Gene: CEP290 (centrosomal protein 290; minus strand). Cytogenetic location: 12q21.32.
Variant type: single nucleotide variant.
Coding change: c.1712-4A>G on transcript NM_025114.4 (MANE Select); 4 bases into the intron before coding-DNA position 1712, A replaced by G.
Molecular consequence: intron variant.
Genome position (GRCh38, 1-based): chr12:88,117,149, T>C on the plus strand (A>G on the coding strand, the complement: CEP290 is on the minus strand). VCF-style: chr12-88117149-T-C. GRCh37 (hg19) VCF-style: chr12-88510926-T-C.
Other names: c.1712-4A>G (NM_025114.3).
Identifiers: ClinVar variation 2176034 (VCV002176034.7), dbSNP rs1207619750, ClinGen allele CA606449190.
Genomic context (GRCh38, chr12:88,117,149, plus strand): 5'-TTATTCTATCTCCTTGAGAAATGTTTTCAGTTAGGTTCAGGTCCTCAGTGGTTAATCCTA[T>C]ATATAAGAGAATTAACAAACTAAAAACATTAAAATAACCCTCCTACTATTCCAACACTTT-3'